The following is an entry in ClinVar:

ClinVar aggregate classification (germline): Likely benign. Review status: criteria provided, single submitter (1 of 4 stars). 2 submissions from 2 submitters: Likely benign (1). 1 of the submissions does not count toward it. Last evaluated 2021-06-19.

Conditions:
Intellectual developmental disorder, X-linked 99. Also called: Intellectual disability, X-linked 99. Identifiers: Orphanet 777, MedGen C3806746, MONDO:0010487, OMIM 300919.

Submissions (2):

Labcorp Genetics (formerly Invitae), Labcorp
Classification: Likely benign. Last evaluated: 2021-06-19. Review status: criteria provided, single submitter. Criteria: Invitae Variant Classification Sherloc (09022015). Collection method: clinical testing. Allele origin: germline.

KK Women’s and Children’s Hospital
Classification: Likely benign for Intellectual developmental disorder, X-linked 99. Last evaluated: 2021-03-05. Review status: no assertion criteria provided. Collection method: clinical testing. Allele origin: maternal. Inheritance: X-linked recessive inheritance. Affected: yes. Observed: 1 variant allele, 1 hemizygote. Not counted in ClinVar's aggregate classification.

NM_001039591.3(USP9X):c.3797A>C (p.Lys1266Thr)

Gene: USP9X (ubiquitin specific peptidase 9 X-linked; plus strand). Cytogenetic location: Xp11.4.
Variant type: single nucleotide variant.
Coding change: c.3797A>C on transcript NM_001039591.3 (MANE Select); coding-DNA position 3797, A replaced by C.
Protein change: p.Lys1266Thr; replaces lysine 1266 with threonine.
Molecular consequence: missense variant.
Genome position (GRCh38, 1-based): chrX:41,188,104, A>C. VCF-style: chrX-41188104-A-C. GRCh37 (hg19) VCF-style: chrX-41047357-A-C.
Other names: c.3797A>C, p.Lys1266Thr (NM_001039590.3); short protein forms K1266T.
Identifiers: ClinVar variation 1013601 (VCV001013601.5), dbSNP rs765979381, ClinGen allele CA412768725.